The following is an entry in ClinVar:

NM_001173990.3(TMEM216):c.40C>T (p.Arg14Trp)

Gene: TMEM216 (transmembrane protein 216; plus strand). Cytogenetic location: 11q12.2.
Variant type: single nucleotide variant.
Coding change: c.40C>T on transcript NM_001173990.3 (MANE Select); coding-DNA position 40, C replaced by T.
Protein change: p.Arg14Trp; replaces arginine 14 with tryptophan.
Molecular consequence: missense variant. On other transcripts: 5 prime UTR variant (2).
Genome position (GRCh38, 1-based): chr11:61,393,236, C>T. VCF-style: chr11-61393236-C-T. GRCh37 (hg19) VCF-style: chr11-61160708-C-T.
Other names: c.40C>T, p.Arg14Trp (NM_001173991.3); c.-144C>T (NM_001330285.2, NM_016499.6); short protein forms R14W.
Identifiers: ClinVar variation 857506 (VCV000857506.8), dbSNP rs528271337, ClinGen allele CA6034697.
Genomic context (GRCh38, chr11:61,393,236, plus strand): 5'-AGCAGAGAGGGAGCTGCCTTCCGGCCCATCCCACTTCTCTGTGCTCCTTTTTCAGGTAAA[C>T]GGTTGTCCTCCACCCCGCTGGAAATCCTGTTCTTTCTGAACGGGTGGTATAATGCTACCT-3'
Protein context (NP_001167461.1, residues 4-24): RGLKMAPRGK[Arg14Trp]LSSTPLEILF

ClinVar aggregate classification (germline): Uncertain significance. Review status: criteria provided, single submitter (1 of 4 stars). 2 submissions from 2 submitters: Uncertain significance (1). 1 of the submissions does not count toward it. Last evaluated 2021-08-24.

Conditions:
Joubert syndrome 2 (JBTS2). Also called: CEREBELLOOCULORENAL SYNDROME 2. Identifiers: Orphanet 2318, MedGen C1842577, MONDO:0011963, OMIM 608091.
Joubert syndrome. Also called: CEREBELLOPARENCHYMAL DISORDER IV; JOUBERT-BOLTSHAUSER SYNDROME; Familial aplasia of the vermis. Identifiers: Orphanet 475, MedGen C5979921, MONDO:0018772.

Allele frequency attached by ClinVar (database versions not stated): gnomAD 0.00001; ExAC 0.00008; 1000 Genomes Project 30x 0.00016; 1000 Genomes Project 0.00020.
gnomAD v4.1: 3 of 1,535,272 alleles (0.0002%); highest among the groups gnomAD compares: Admixed American, 0.0039%; no homozygotes.

Submissions (2):

Labcorp Genetics (formerly Invitae), Labcorp
Classification: Uncertain significance for Joubert syndrome. Last evaluated: 2021-08-24. Review status: criteria provided, single submitter. Criteria: Invitae Variant Classification Sherloc (09022015). Collection method: clinical testing. Allele origin: germline.
Comment: This sequence change replaces arginine with tryptophan at codon 14 of the TMEM216 protein (p.Arg14Trp). The arginine residue is weakly conserved and there is a moderate physicochemical difference between arginine and tryptophan. While this variant is present in population databases (rs528271337), the frequency information is unreliable, as metrics indicate poor data quality at this position in the ExAC database. This variant has not been reported in the literature in individuals affected with TMEM216-related conditions. Algorithms developed to predict the effect of missense changes on protein structure and function are either unavailable or do not agree on the potential impact of this missense change (SIFT: "Deleterious"; PolyPhen-2: "Possibly Damaging"; Align-GVGD: "Class C0"). In summary, the available evidence is currently insufficient to determine the role of this variant in disease. Therefore, it has been classified as a Variant of Uncertain Significance.

Natera, Inc.
Classification: Uncertain significance for Joubert syndrome type 2. Last evaluated: 2021-01-22. Review status: no assertion criteria provided. Collection method: clinical testing. Allele origin: germline. Not counted in ClinVar's aggregate classification.